The following is an entry in ClinVar:

ClinVar aggregate classification (germline): Uncertain significance. Review status: criteria provided, multiple submitters, no conflicts (2 of 4 stars). 2 submissions from 2 submitters: Uncertain significance (2). Last evaluated 2025-11-03.

Conditions:
Hereditary cancer-predisposing syndrome. Also called: Neoplastic Syndromes, Hereditary; Tumor predisposition; Hereditary neoplastic syndrome; Hereditary Cancer Syndrome. Identifiers: Orphanet 140162, MedGen C0027672, MeSH D009386, MONDO:0015356.

Allele frequency attached by ClinVar (database versions not stated): gnomAD exomes below 0.00001; ExAC 0.00001.

Submissions (2):

Labcorp Genetics (formerly Invitae), Labcorp
Classification: Uncertain significance. Last evaluated: 2025-11-03. Review status: criteria provided, single submitter. Criteria: Invitae Variant Classification Sherloc (09022015). Collection method: clinical testing. Allele origin: germline.
Comment: This sequence change replaces arginine, which is basic and polar, with cysteine, which is neutral and slightly polar, at codon 215 of the HOXB13 protein (p.Arg215Cys). This variant is present in population databases (rs761914407, gnomAD 0.0009%). This variant has not been reported in the literature in individuals affected with HOXB13-related conditions. ClinVar contains an entry for this variant (Variation ID: 826404). Invitae Evidence Modeling of protein sequence and biophysical properties (such as structural, functional, and spatial information, amino acid conservation, physicochemical variation, residue mobility, and thermodynamic stability) has been performed for this missense variant. However, the output from this modeling did not meet the statistical confidence thresholds required to predict the impact of this variant on HOXB13 protein function. In summary, the available evidence is currently insufficient to determine the role of this variant in disease. Therefore, it has been classified as a Variant of Uncertain Significance.

Ambry Genetics
Classification: Uncertain significance for Hereditary cancer-predisposing syndrome. Last evaluated: 2025-04-12. Review status: criteria provided, single submitter. Criteria: Ambry Variant Classification Scheme 2023. Collection method: clinical testing. Allele origin: germline.
Comment: The p.R215C variant (also known as c.643C>T), located in coding exon 2 of the HOXB13 gene, results from a C to T substitution at nucleotide position 643. The arginine at codon 215 is replaced by cysteine, an amino acid with highly dissimilar properties. This amino acid position is highly conserved in available vertebrate species. In addition, this alteration is predicted to be deleterious by in silico analysis. Since supporting evidence is limited at this time, the clinical significance of this alteration remains unclear.

NM_006361.6(HOXB13):c.643C>T (p.Arg215Cys)

Gene: HOXB13 (homeobox B13; minus strand). Cytogenetic location: 17q21.32.
Variant type: single nucleotide variant.
Coding change: c.643C>T on transcript NM_006361.6 (MANE Select); coding-DNA position 643, C replaced by T.
Protein change: p.Arg215Cys; replaces arginine 215 with cysteine.
Molecular consequence: missense variant.
Genome position (GRCh38, 1-based): chr17:48,727,002, G>A on the plus strand (C>T on the coding strand, the complement: HOXB13 is on the minus strand). VCF-style: chr17-48727002-G-A. GRCh37 (hg19) VCF-style: chr17-46804364-G-A.
Other names: short protein forms R215C.
Identifiers: ClinVar variation 826404 (VCV000826404.13), dbSNP rs761914407, ClinGen allele CA8633935.